The following is an entry in ClinVar:

ClinVar aggregate classification (germline): Pathogenic/Likely pathogenic. Review status: criteria provided, multiple submitters, no conflicts (2 of 4 stars). 3 submissions from 3 submitters: Pathogenic (2); Likely pathogenic (1). Last evaluated 2026-01-26.

Conditions:
Primary ciliary dyskinesia 3. Identifiers: Orphanet 244, MedGen C1837618, MONDO:0012085, OMIM 608644.
Primary ciliary dyskinesia. Also called: Ciliary dyskinesia. Identifiers: Orphanet 244, MedGen C0008780, MONDO:0016575, HP:0012265.

Allele frequency attached by ClinVar (database versions not stated): gnomAD below 0.00001 and 0.00001; TOPMed below 0.00001.
gnomAD v4.1: 8 of 1,613,926 alleles (0.0005%); highest among the groups gnomAD compares: South Asian, 0.0088%; no homozygotes.

Submissions (3):

Natera, Inc.
Classification: Pathogenic for Primary ciliary dyskinesia. Last evaluated: 2026-01-26. Review status: criteria provided, single submitter. Criteria: Natera Variant Classification Schema (03/2026). Collection method: clinical testing. Allele origin: germline.
Comment: The c.9694C>T variant in DNAH5 is a nonsense variant predicted to introduce a stop codon at amino acid 3232. This variant is expected to result in nonsense mediated decay, truncation, or a dysfunctional protein product. This variant is rare in the general population with a frequency below the threshold expected for the associated phenotype(s). This variant has been observed in one or more individuals affected with the associated recessive disease, as either homozygous or compound heterozygous with a second variant (PMID: 33479112). Given the available evidence, this variant is classified as Pathogenic.

Labcorp Genetics (formerly Invitae), Labcorp
Classification: Pathogenic for Primary ciliary dyskinesia. Last evaluated: 2026-01-21. Review status: criteria provided, single submitter. Criteria: Invitae Variant Classification Sherloc (09022015). Collection method: clinical testing. Allele origin: germline.
Comment: This sequence change creates a premature translational stop signal (p.Gln3232*) in the DNAH5 gene. It is expected to result in an absent or disrupted protein product. Loss-of-function variants in DNAH5 are known to be pathogenic (PMID: 11788826, 16627867). This variant is present in population databases (rs369683202, gnomAD no frequency). This variant has not been reported in the literature in individuals affected with DNAH5-related conditions. ClinVar contains an entry for this variant (Variation ID: 663927). For these reasons, this variant has been classified as Pathogenic.

Fulgent Genetics
Classification: Likely pathogenic for Primary ciliary dyskinesia 3. Last evaluated: 2024-04-05. Review status: criteria provided, single submitter. Criteria: ACMG Guidelines, 2015. Collection method: clinical testing. Allele origin: germline.

Literature cited by the submitters: PubMed 33479112 (cited by Natera, Inc.); PubMed 11788826 (cited by Labcorp Genetics (formerly Invitae), Labcorp); PubMed 16627867 (cited by Labcorp Genetics (formerly Invitae), Labcorp).

NM_001369.3(DNAH5):c.9694C>T (p.Gln3232Ter)

Gene: DNAH5 (dynein axonemal heavy chain 5; minus strand). Cytogenetic location: 5p15.2.
Variant type: single nucleotide variant.
Coding change: c.9694C>T on transcript NM_001369.3 (MANE Select); coding-DNA position 9694, C replaced by T.
Protein change: p.Gln3232Ter; replaces glutamine 3232 with a stop codon.
Molecular consequence: nonsense.
Genome position (GRCh38, 1-based): chr5:13,769,527, G>A on the plus strand (C>T on the coding strand, the complement: DNAH5 is on the minus strand). VCF-style: chr5-13769527-G-A. GRCh37 (hg19) VCF-style: chr5-13769636-G-A.
Other names: short protein forms Q3232*.
Identifiers: ClinVar variation 663927 (VCV000663927.12), dbSNP rs369683202, ClinGen allele CA113931330.